The following is an entry in ClinVar:

NM_052989.3(IFT122):c.2547G>A (p.Glu849=)

Gene: IFT122 (intraflagellar transport 122; plus strand). Cytogenetic location: 3q22.1.
Variant type: single nucleotide variant.
Coding change: c.2547G>A on transcript NM_052989.3 (MANE Select); coding-DNA position 2547, G replaced by A.
Protein change: p.Glu849=; no amino-acid change (glutamic acid 849 retained).
Molecular consequence: synonymous variant.
Genome position (GRCh38, 1-based): chr3:129,502,882, G>A. VCF-style: chr3-129502882-G-A. GRCh37 (hg19) VCF-style: chr3-129221725-G-A.
Other names: c.2547G>A, p.Glu849= (NM_001410808.1); c.2493G>A, p.Glu831= (NM_001410809.1); c.2523G>A, p.Glu841= (NM_001280541.2); c.2097G>A, p.Glu699= (NM_001280545.2); c.1920G>A, p.Glu640= (NM_001280546.2); c.2370G>A, p.Glu790= (NM_001410810.1, NM_018262.4); c.2316G>A, p.Glu772= (NM_001410811.1, NM_001410813.1); c.2214G>A, p.Glu738= (NM_001410815.1, NM_052990.3); and 2 more.
Identifiers: ClinVar variation 3588462 (VCV003588462.3).

ClinVar aggregate classification (germline): Uncertain significance. Review status: criteria provided, multiple submitters, no conflicts (2 of 4 stars). 2 submissions from 2 submitters: Uncertain significance (2). Last evaluated 2024-06-19.

Conditions:
Cranioectodermal dysplasia 1 (CED1). Also called: LEVIN SYNDROME I. Identifiers: Orphanet 1515, MedGen C0432235, MONDO:0021093, OMIM 218330.

gnomAD v4.1: 1 of 1,609,204 alleles (0.000062%); highest among the groups gnomAD compares: Middle Eastern, 0.017%; no homozygotes.

Submissions (2):

Labcorp Genetics (formerly Invitae), Labcorp
Classification: Uncertain significance for Cranioectodermal dysplasia 1. Last evaluated: 2024-06-19. Review status: criteria provided, single submitter. Criteria: Invitae Variant Classification Sherloc (09022015). Collection method: clinical testing. Allele origin: germline.
Comment: This sequence change affects codon 900 of the IFT122 mRNA. It is a 'silent' change, meaning that it does not change the encoded amino acid sequence of the IFT122 protein. This variant also falls at the last nucleotide of exon 21, which is part of the consensus splice site for this exon. This variant is not present in population databases (gnomAD no frequency). This variant has not been reported in the literature in individuals affected with IFT122-related conditions. Variants that disrupt the consensus splice site are a relatively common cause of aberrant splicing (PMID: 17576681, 9536098). Algorithms developed to predict the effect of sequence changes on RNA splicing suggest that this variant may disrupt the consensus splice site. In summary, the available evidence is currently insufficient to determine the role of this variant in disease. Therefore, it has been classified as a Variant of Uncertain Significance.

Fulgent Genetics
Classification: Uncertain significance for Cranioectodermal dysplasia 1. Last evaluated: 2024-06-10. Review status: criteria provided, single submitter. Criteria: ACMG Guidelines, 2015. Collection method: clinical testing. Allele origin: germline.

Literature cited by the submitters: PubMed 17576681 (cited by Labcorp Genetics (formerly Invitae), Labcorp); PubMed 9536098 (cited by Labcorp Genetics (formerly Invitae), Labcorp).